The following is an entry in ClinVar:

NM_001375567.1(FOCAD):c.2855A>G (p.Glu952Gly)

Gene: FOCAD (focadhesin; plus strand). Cytogenetic location: 9p21.3.
Variant type: single nucleotide variant.
Coding change: c.2855A>G on transcript NM_001375567.1 (MANE Select); coding-DNA position 2855, A replaced by G.
Protein change: p.Glu952Gly; replaces glutamic acid 952 with glycine.
Molecular consequence: missense variant.
Genome position (GRCh38, 1-based): chr9:20,923,662, A>G. VCF-style: chr9-20923662-A-G. GRCh37 (hg19) VCF-style: chr9-20923661-A-G.
Other names: c.2750A>G, p.Glu917Gly (NM_001375568.1, NM_001375570.1); c.2855A>G, p.Glu952Gly (NM_017794.5); short protein forms E917G, E952G.
Identifiers: ClinVar variation 2631679 (VCV002631679.1), dbSNP rs2492028956, ClinGen allele CA373050905.

ClinVar aggregate classification (germline): Uncertain significance (1 of 4 stars; one submission).

Conditions:
FOCAD-related disorder. Also called: FOCAD-related condition.

Allele frequency attached by ClinVar (database versions not stated): gnomAD exomes below 0.00001.
gnomAD v4.1: 1 of 1,613,346 alleles (0.000062%); highest among the groups gnomAD compares: Non-Finnish European, 0.000085%; no homozygotes.

Submission:

PreventionGenetics, part of Exact Sciences
Classification: Uncertain significance for FOCAD-related condition. Last evaluated: 2023-08-11. Review status: criteria provided, single submitter. Criteria: ACMG Guidelines, 2015. Collection method: clinical testing. Allele origin: germline.
Comment: The FOCAD c.2855A>G variant is predicted to result in the amino acid substitution p.Glu952Gly. To our knowledge, this variant has not been reported in the literature or in a large population database, indicating this variant is rare. At this time, the clinical significance of this variant is uncertain due to the absence of conclusive functional and genetic evidence.